The following is an entry in ClinVar:

ClinVar aggregate classification (germline): Uncertain significance (1 of 4 stars; one submission).

gnomAD v4.1: 10 of 1,612,546 alleles (0.00062%); highest among the groups gnomAD compares: Admixed American, 0.005%; no homozygotes.

Submission:

Labcorp Genetics (formerly Invitae), Labcorp
Classification: Uncertain significance. Last evaluated: 2025-05-13. Review status: criteria provided, single submitter. Criteria: Invitae Variant Classification Sherloc (09022015). Collection method: clinical testing. Allele origin: germline.
Comment: This sequence change replaces serine, which is neutral and polar, with asparagine, which is neutral and polar, at codon 346 of the TXNDC15 protein (p.Ser346Asn). This variant is present in population databases (no rsID available, gnomAD 0.003%). This variant has not been reported in the literature in individuals affected with TXNDC15-related conditions. An algorithm developed to predict the effect of missense changes on protein structure and function outputs the following: PolyPhen-2: "Benign". The asparagine amino acid residue is found in multiple mammalian species, which suggests that this missense change does not adversely affect protein function. In summary, the available evidence is currently insufficient to determine the role of this variant in disease. Therefore, it has been classified as a Variant of Uncertain Significance.

NM_024715.4(TXNDC15):c.1037G>A (p.Ser346Asn)

Gene: TXNDC15 (thioredoxin domain containing 15; plus strand). Cytogenetic location: 5q31.1.
Variant type: single nucleotide variant.
Coding change: c.1037G>A on transcript NM_024715.4 (MANE Select); coding-DNA position 1037, G replaced by A.
Protein change: p.Ser346Asn; replaces serine 346 with asparagine.
Molecular consequence: missense variant.
Genome position (GRCh38, 1-based): chr5:134,899,639, G>A. VCF-style: chr5-134899639-G-A. GRCh37 (hg19) VCF-style: chr5-134235329-G-A.
Other names: c.833G>A, p.Ser278Asn (NM_001350735.2); short protein forms S278N, S346N.
Identifiers: ClinVar variation 4691293 (VCV004691293.1).